The following is an entry in ClinVar:

NM_206937.2(LIG4):c.907G>C (p.Gly303Arg)

Gene: LIG4 (DNA ligase 4; minus strand). Cytogenetic location: 13q33.3.
Variant type: single nucleotide variant.
Coding change: c.907G>C on transcript NM_206937.2 (MANE Select); coding-DNA position 907, G replaced by C.
Protein change: p.Gly303Arg; replaces glycine 303 with arginine.
Molecular consequence: missense variant.
Genome position (GRCh38, 1-based): chr13:108,210,362, C>G on the plus strand (G>C on the coding strand, the complement: LIG4 is on the minus strand). VCF-style: chr13-108210362-C-G. GRCh37 (hg19) VCF-style: chr13-108862710-C-G.
Other names: c.907G>C, p.Gly303Arg (NM_001098268.2, NM_001352598.2, NM_001352599.2 and 6 more transcripts); c.706G>C, p.Gly236Arg (NM_001330595.2); c.943G>C, p.Gly315Arg (NM_001352604.2); c.907G>C (NM_206937.1); short protein forms G303R, G315R, G236R.
Identifiers: ClinVar variation 429520 (VCV000429520.5), dbSNP rs1131691430, ClinGen allele CA388619322.
Genomic context (GRCh38, chr13:108,210,362, plus strand): 5'-TATCTGCTTTGAATGCATTATGAATGAATGGGGTAAGAGAACCTTCAGTAGGAGAAGCAC[C>G]AAACTGATCAGTGTAGTTATATCCATTTCGAGAGAAGTATTTATATACATCTCCATCTTT-3'
Protein context (NP_996820.1, residues 293-313): RNGYNYTDQF[Gly303Arg]ASPTEGSLTP

ClinVar aggregate classification (germline): Likely pathogenic. Review status: criteria provided, multiple submitters, no conflicts (2 of 4 stars). 3 submissions from 3 submitters: Likely pathogenic (3). Last evaluated 2023-12-28.

Conditions:
Inborn genetic diseases. Identifiers: MedGen C0950123, MeSH D030342.
prenatal LIG4 syndrome with aqueductal stenosis.

Submissions (3):

Molecular Genetics laboratory, Necker Hospital
Classification: Likely pathogenic for prenatal LIG4 syndrome with aqueductal stenosis. Last evaluated: 2023-12-28. Review status: criteria provided, single submitter. Criteria: ACMG Guidelines, 2015. Collection method: clinical testing. Allele origin: paternal. Affected: yes. Observed: 1 variant allele.

Ambry Genetics
Classification: Likely pathogenic for Inborn genetic diseases. Last evaluated: 2022-01-21. Review status: criteria provided, single submitter. Criteria: Ambry Variant Classification Scheme 2023. Collection method: clinical testing. Allele origin: germline.
Comment: The c.907G>C (p.G303R) alteration is located in exon 2 (coding exon 1) of the LIG4 gene. This alteration results from a G to C substitution at nucleotide position 907, causing the glycine (G) at amino acid position 303 to be replaced by an arginine (R). This variant was not reported in population-based cohorts in the Genome Aggregation Database (gnomAD). This variant was detected presumably in trans with a second LIG4 mutation in a patient with clinical features of LIG4 syndrome (Brunet, 2017). This amino acid position is highly conserved in available vertebrate species. This alteration is predicted to be deleterious by in silico analysis. Based on the available evidence, this alteration is classified as likely pathogenic.

GeneDx
Classification: Likely pathogenic. Last evaluated: 2015-09-07. Review status: criteria provided, single submitter. Criteria: GeneDx Variant Classification (06012015). Collection method: clinical testing. Allele origin: germline. Affected: yes.
Comment: The G303R variant in the LIG4 gene has not been published as a pathogenic variant, nor has it been reported as a benign polymorphism to our knowledge. The G303R variant was not observed in approximately 6500 individuals of European and African American ancestry in the NHLBI Exome Sequencing Project, indicating it is not a common benign variant in these populations. The G303R variant is a non-conservative amino acid substitution, which occurs at a position that is conserved across species. In silico analysis predicts this variant is probably damaging to the protein structure/function. The G303R variant is a strong candidate for a disease-causing variant, however the possibility it may be a rare benign variant cannot be excluded

Literature cited by the submitters: PubMed 28866308 (cited by Ambry Genetics).